The following is an entry in ClinVar:

ClinVar aggregate classification (germline): Uncertain significance (1 of 4 stars; one submission).

Submission:

GeneDx
Classification: Uncertain significance. Last evaluated: 2025-09-17. Review status: criteria provided, single submitter. Criteria: GeneDx Variant Classification Process June 2021. Collection method: clinical testing. Allele origin: germline. Affected: yes.
Comment: Not observed at significant frequency in large population cohorts (gnomAD); In silico analysis suggests that this missense variant does not alter protein structure/function; Has not been previously published as pathogenic or benign to our knowledge

NM_001161352.2(KCNMA1):c.3544G>C (p.Ala1182Pro)

Gene: KCNMA1 (potassium calcium-activated channel subfamily M alpha 1; minus strand). Cytogenetic location: 10q22.3.
Variant type: single nucleotide variant.
Coding change: c.3544G>C on transcript NM_001161352.2 (MANE Select); coding-DNA position 3544, G replaced by C.
Protein change: p.Ala1182Pro; replaces alanine 1182 with proline.
Molecular consequence: missense variant.
Genome position (GRCh38, 1-based): chr10:76,887,433, C>G on the plus strand (G>C on the coding strand, the complement: KCNMA1 is on the minus strand). VCF-style: chr10-76887433-C-G. GRCh37 (hg19) VCF-style: chr10-78647191-C-G.
Other names: c.3382G>C, p.Ala1128Pro (NM_001014797.3); c.3493G>C, p.Ala1165Pro (NM_001161353.2); c.3220G>C, p.Ala1074Pro (NM_001271518.2); c.3460G>C, p.Ala1154Pro (NM_001271519.2); c.3379G>C, p.Ala1127Pro (NM_001322829.2, NM_001322836.2); c.3472G>C, p.Ala1158Pro (NM_001322830.2); c.3370G>C, p.Ala1124Pro (NM_001322832.2, NM_001410940.1, NM_002247.4); c.3463G>C, p.Ala1155Pro (NM_001322835.2, NM_001322837.2); and 1 more; short protein forms A1074P, A1124P, A1127P, A1128P, A1154P, A1155P, A1158P, A1165P.
Identifiers: ClinVar variation 3602334 (VCV003602334.2).